The following is an entry in ClinVar:

NM_004991.4(MECOM):c.791A>T (p.Glu264Val)

Gene: MECOM (MDS1 and EVI1 complex locus; minus strand). Cytogenetic location: 3q26.2.
Variant type: single nucleotide variant.
Coding change: c.791A>T on transcript NM_004991.4 (MANE Select); coding-DNA position 791, A replaced by T.
Protein change: p.Glu264Val; replaces glutamic acid 264 with valine.
Molecular consequence: missense variant.
Genome position (GRCh38, 1-based): chr3:169,127,883, T>A on the plus strand (A>T on the coding strand, the complement: MECOM is on the minus strand). VCF-style: chr3-169127883-T-A. GRCh37 (hg19) VCF-style: chr3-168845671-T-A.
Other names: c.227A>T, p.Glu76Val (NM_001366470.2, NM_001366471.2, NM_001366472.2 and 9 more transcripts); c.791A>T, p.Glu264Val (NM_001366473.2, NM_001366466.2); c.419A>T, p.Glu140Val (NM_001105077.4); short protein forms E264V, E76V, E140V.
Identifiers: ClinVar variation 3722421 (VCV003722421.2).

ClinVar aggregate classification (germline): Uncertain significance (1 of 4 stars; one submission).

Submission:

Labcorp Genetics (formerly Invitae), Labcorp
Classification: Uncertain significance. Last evaluated: 2024-10-18. Review status: criteria provided, single submitter. Criteria: Invitae Variant Classification Sherloc (09022015). Collection method: clinical testing. Allele origin: germline.
Comment: This sequence change replaces glutamic acid, which is acidic and polar, with valine, which is neutral and non-polar, at codon 76 of the MECOM protein (p.Glu76Val). This variant is not present in population databases (gnomAD no frequency). This variant has not been reported in the literature in individuals affected with MECOM-related conditions. An algorithm developed to predict the effect of missense changes on protein structure and function (PolyPhen-2) suggests that this variant is likely to be disruptive. Algorithms developed to predict the effect of sequence changes on RNA splicing suggest that this variant may disrupt the consensus splice site. In summary, the available evidence is currently insufficient to determine the role of this variant in disease. Therefore, it has been classified as a Variant of Uncertain Significance.